The following is an entry in ClinVar:

ClinVar aggregate classification (germline): Uncertain significance. Review status: criteria provided, single submitter (1 of 4 stars). 2 submissions from 2 submitters: Uncertain significance (1). 1 of the submissions does not count toward it. Last evaluated 2025-10-29.

Conditions:
SRP72-related disorder. Also called: SRP72-related condition.

Allele frequency attached by ClinVar (database versions not stated): gnomAD 0.00003; ExAC 0.00003; TOPMed 0.00005; 1000 Genomes Project 0.00020; gnomAD exomes 0.00001; 1000 Genomes Project 30x 0.00016.

Submissions (2):

Labcorp Genetics (formerly Invitae), Labcorp
Classification: Uncertain significance. Last evaluated: 2025-10-29. Review status: criteria provided, single submitter. Criteria: Invitae Variant Classification Sherloc (09022015). Collection method: clinical testing. Allele origin: germline.
Comment: This sequence change falls in intron 11 of the SRP72 gene. It does not directly change the encoded amino acid sequence of the SRP72 protein. It affects a nucleotide within the consensus splice site. This variant is present in population databases (rs543279107, gnomAD 0.01%). This variant has not been reported in the literature in individuals affected with SRP72-related conditions. ClinVar contains an entry for this variant (Variation ID: 2956055). Variants that disrupt the consensus splice site are a relatively common cause of aberrant splicing (PMID: 17576681, 9536098). Algorithms developed to predict the effect of sequence changes on RNA splicing suggest that this variant is not likely to affect RNA splicing. In summary, the available evidence is currently insufficient to determine the role of this variant in disease. Therefore, it has been classified as a Variant of Uncertain Significance.

PreventionGenetics, part of Exact Sciences
Classification: Likely benign for SRP72-related condition. Last evaluated: 2023-02-02. Review status: no assertion criteria provided. Collection method: clinical testing. Allele origin: germline. Not counted in ClinVar's aggregate classification.
Comment: This variant is classified as likely benign based on ACMG/AMP sequence variant interpretation guidelines (Richards et al. 2015 PMID: 25741868, with internal and published modifications).

Literature cited by the submitters: PubMed 17576681 (cited by Labcorp Genetics (formerly Invitae), Labcorp); PubMed 9536098 (cited by Labcorp Genetics (formerly Invitae), Labcorp).

NM_006947.4(SRP72):c.1159+6A>G

Gene: SRP72 (signal recognition particle 72; plus strand). Cytogenetic location: 4q12.
Variant type: single nucleotide variant.
Coding change: c.1159+6A>G on transcript NM_006947.4 (MANE Select); 6 bases into the intron after coding-DNA position 1159, A replaced by G.
Molecular consequence: intron variant.
Genome position (GRCh38, 1-based): chr4:56,486,403, A>G. VCF-style: chr4-56486403-A-G. GRCh37 (hg19) VCF-style: chr4-57352569-A-G.
Other names: c.976+6A>G (NM_001267722.2); c.1159+6A>G (NM_006947.3).
Identifiers: ClinVar variation 2956055 (VCV002956055.5), dbSNP rs543279107, ClinGen allele CA2931287.
Genomic context (GRCh38, chr4:56,486,403, plus strand): 5'-CCAGAAAATGCAGCTGAAATTAAGCTGACCATGGCACAGTTGAAAATTTCTCAAGGTATT[A>G]TGGTTTTCATCATGATTAAAATATTTTAATGAAAACATGTTTGGAATGATTAAGCAGTTG-3'